The following is an entry in ClinVar:

NM_001166108.2(PALLD):c.1262T>C (p.Val421Ala)

Gene: PALLD (palladin, cytoskeletal associated protein; plus strand). Cytogenetic location: 4q32.3.
Variant type: single nucleotide variant.
Coding change: c.1262T>C on transcript NM_001166108.2 (MANE Select); coding-DNA position 1262, T replaced by C.
Protein change: p.Val421Ala; replaces valine 421 with alanine.
Molecular consequence: missense variant.
Genome position (GRCh38, 1-based): chr4:168,685,486, T>C. VCF-style: chr4-168685486-T-C. GRCh37 (hg19) VCF-style: chr4-169606637-T-C.
Other names: c.116T>C, p.Val39Ala (NM_001166109.2); c.1262T>C, p.Val421Ala (NM_016081.4); short protein forms V39A, V421A.
Identifiers: ClinVar variation 3413558 (VCV003413558.1).

ClinVar aggregate classification (germline): Uncertain significance (1 of 4 stars; one submission).

Submission:

Ambry Genetics
Classification: Uncertain significance. Last evaluated: 2024-08-20. Review status: criteria provided, single submitter. Criteria: Ambry Variant Classification Scheme 2023. Collection method: clinical testing. Allele origin: germline.
Comment: The p.V421A variant (also known as c.1262T>C), located in coding exon 5 of the PALLD gene, results from a T to C substitution at nucleotide position 1262. The valine at codon 421 is replaced by alanine, an amino acid with similar properties. This amino acid position is conserved. In addition, this alteration is predicted to be tolerated by in silico analysis. Based on the available evidence, the clinical significance of this variant remains unclear.